The following is an entry in ClinVar:

ClinVar aggregate classification (germline): Conflicting classifications of pathogenicity. Review status: criteria provided, conflicting classifications (1 of 4 stars). 9 submissions from 9 submitters: Uncertain significance (4); Likely benign (4). 1 of the submissions does not count toward it. Last evaluated 2026-01-28.

Conditions:
EYS-related disorder. Also called: EYS-related condition.
Retinal dystrophy. Also called: Inherited retinal dystrophy. Identifiers: Orphanet 71862, MedGen C0854723, MeSH D058499, MONDO:0019118, HP:0000556.
Retinitis pigmentosa 25 (RP25). Identifiers: Orphanet 791, MedGen C1864446, MONDO:0011272, OMIM 602772.
Retinitis pigmentosa (RP). Identifiers: Orphanet 791, MedGen C0035334, MeSH D012174, MONDO:0019200, OMIM 268000. Inheritance: Autosomal dominant, autosomal recessive and X linked inheritance.

Allele frequency attached by ClinVar (database versions not stated): gnomAD 0.00036 and 0.00046; 1000 Genomes Project 0.00040; ESP Exome Variant Server 0.00044; 1000 Genomes Project 30x 0.00047; TOPMed 0.00054; gnomAD exomes 0.00066 and 0.00131; ExAC 0.00221.
gnomAD v4.1: 1,019 of 1,548,422 alleles (0.066%); highest among the groups gnomAD compares: South Asian, 0.53%; 8 homozygotes.

Submissions (9):

Labcorp Genetics (formerly Invitae), Labcorp
Classification: Likely benign. Last evaluated: 2026-01-28. Review status: criteria provided, single submitter. Criteria: Invitae Variant Classification Sherloc (09022015). Collection method: clinical testing. Allele origin: germline.

PreventionGenetics, part of Exact Sciences
Classification: Likely benign for EYS-related condition. Last evaluated: 2024-12-20. Review status: criteria provided, single submitter. Criteria: ACMG Guidelines, 2015. Collection method: clinical testing. Allele origin: germline.
Comment: This variant is classified as likely benign based on ACMG/AMP sequence variant interpretation guidelines (Richards et al. 2015 PMID: 25741868, with internal and published modifications).

Blueprint Genetics
Classification: Likely benign. Last evaluated: 2024-11-20. Review status: criteria provided, single submitter. Criteria: ACMG Guidelines, 2015. Collection method: clinical testing. Allele origin: germline.

CeGaT Center for Human Genetics Tuebingen
Classification: Likely benign. Last evaluated: 2024-01-01. Review status: criteria provided, single submitter. Criteria: CeGaT Center For Human Genetics Tuebingen Variant Classification Criteria Version 2. Collection method: clinical testing. Allele origin: germline. Affected: yes. Observed: 1 variant allele.
Comment: EYS: BS2

Dept Of Ophthalmology, Nagoya University
Classification: Uncertain significance for Retinal dystrophy. Last evaluated: 2023-10-01. Review status: criteria provided, single submitter. Criteria: Submitter's publication. Collection method: research. Allele origin: germline. Affected: yes.

Institute of Human Genetics, Univ. Regensburg, Univ. Regensburg
Classification: Uncertain significance for Retinal dystrophy. Last evaluated: 2023-01-01. Review status: criteria provided, single submitter. Criteria: ACMG Guidelines, 2015. Collection method: clinical testing. Allele origin: germline. Affected: yes.

Genome-Nilou Lab
Classification: Uncertain significance for Retinitis pigmentosa 25. Last evaluated: 2021-07-14. Review status: criteria provided, single submitter. Criteria: ACMG Guidelines, 2015. Collection method: clinical testing. Allele origin: germline. Affected: no.

Illumina Laboratory Services, Illumina
Classification: Uncertain significance for Retinitis pigmentosa. Last evaluated: 2018-01-12. Review status: criteria provided, single submitter. Criteria: ICSL Variant Classification Criteria 13 December 2019. Collection method: clinical testing. Allele origin: germline.

Natera, Inc.
Classification: Likely benign for Retinitis pigmentosa. Last evaluated: 2020-01-01. Review status: no assertion criteria provided. Collection method: clinical testing. Allele origin: germline. Not counted in ClinVar's aggregate classification.

Literature cited by the submitters: PubMed 32579692 (cited by Institute of Human Genetics, Univ. Regensburg, Univ. Regensburg).

NM_001142800.2(EYS):c.3586T>C (p.Cys1196Arg)

Gene: EYS (EGF-like photoreceptor maintenance factor; minus strand). Cytogenetic location: 6q12.
Variant type: single nucleotide variant.
Coding change: c.3586T>C on transcript NM_001142800.2 (MANE Select); coding-DNA position 3586, T replaced by C.
Protein change: p.Cys1196Arg; replaces cysteine 1196 with arginine.
Molecular consequence: missense variant.
Genome position (GRCh38, 1-based): chr6:64,617,516, A>G on the plus strand (T>C on the coding strand, the complement: EYS is on the minus strand). VCF-style: chr6-64617516-A-G. GRCh37 (hg19) VCF-style: chr6-65327409-A-G.
Other names: c.3586T>C, p.Cys1196Arg (NM_001292009.2); short protein forms C1196R.
Identifiers: ClinVar variation 723093 (VCV000723093.42), dbSNP rs374409854, ClinGen allele CA3877145.